The following is an entry in ClinVar:

ClinVar aggregate classification (germline): Uncertain significance (1 of 4 stars; one submission).

Allele frequency attached by ClinVar (database versions not stated): gnomAD exomes below 0.00001; TOPMed below 0.00001; gnomAD 0.00001.

Submission:

Labcorp Genetics (formerly Invitae), Labcorp
Classification: Uncertain significance. Last evaluated: 2024-04-10. Review status: criteria provided, single submitter. Criteria: Invitae Variant Classification Sherloc (09022015). Collection method: clinical testing. Allele origin: germline.
Comment: This sequence change replaces methionine, which is neutral and non-polar, with threonine, which is neutral and polar, at codon 1285 of the MYO18B protein (p.Met1285Thr). This variant is present in population databases (no rsID available, gnomAD 0.06%). This variant has not been reported in the literature in individuals affected with MYO18B-related conditions. ClinVar contains an entry for this variant (Variation ID: 1462711). Algorithms developed to predict the effect of missense changes on protein structure and function output the following: SIFT: "Not Available"; PolyPhen-2: "Benign"; Align-GVGD: "Not Available". The threonine amino acid residue is found in multiple mammalian species, which suggests that this missense change does not adversely affect protein function. In summary, the available evidence is currently insufficient to determine the role of this variant in disease. Therefore, it has been classified as a Variant of Uncertain Significance.

NM_032608.7(MYO18B):c.3854T>C (p.Met1285Thr)

Gene: MYO18B (myosin XVIIIB; plus strand). Cytogenetic location: 22q12.1.
Variant type: single nucleotide variant.
Coding change: c.3854T>C on transcript NM_032608.7 (MANE Select); coding-DNA position 3854, T replaced by C.
Protein change: p.Met1285Thr; replaces methionine 1285 with threonine.
Molecular consequence: missense variant.
Genome position (GRCh38, 1-based): chr22:25,851,548, T>C. VCF-style: chr22-25851548-T-C. GRCh37 (hg19) VCF-style: chr22-26247515-T-C.
Other names: c.3857T>C, p.Met1286Thr (NM_001318245.2); short protein forms M1285T, M1286T.
Identifiers: ClinVar variation 1462711 (VCV001462711.5), dbSNP rs1260892254, ClinGen allele CA411002772.
Genomic context (GRCh38, chr22:25,851,548, plus strand): 5'-GGCTCACTCGCTTCCGCCGGCAATTCCAGGTGCTGGACGCTCCACTCCTGAAGAAGCTCA[T>C]GTCGACCTCCGAGGGAATAGATGAAAGGAAGGTAGGTGGAGCACATGCGAGAGGGGTGAA-3'
Protein context (NP_115997.5, residues 1275-1295): VLDAPLLKKL[Met1285Thr]STSEGIDERK